The following is an entry in ClinVar:

ClinVar aggregate classification (germline): Uncertain significance. Review status: criteria provided, multiple submitters, no conflicts (2 of 4 stars). 2 submissions from 2 submitters: Uncertain significance (2). Last evaluated 2025-04-11.

Conditions:
Familial focal epilepsy with variable foci (FPEVF). Identifiers: Orphanet 98820, MedGen C1858477, MONDO:0020310.
Epilepsy, familial focal, with variable foci 1 (FFEVF1). Also called: DEPDC5-Related Epilepsy. Identifiers: MedGen C4551983, MONDO:0024556, OMIM 604364.

Submissions (2):

Labcorp Genetics (formerly Invitae), Labcorp
Classification: Uncertain significance for Familial focal epilepsy with variable foci. Last evaluated: 2025-04-11. Review status: criteria provided, single submitter. Criteria: Invitae Variant Classification Sherloc (09022015). Collection method: clinical testing. Allele origin: germline.
Comment: This sequence change replaces glutamine, which is neutral and polar, with arginine, which is basic and polar, at codon 260 of the DEPDC5 protein (p.Gln260Arg). This variant is not present in population databases (gnomAD no frequency). This variant has not been reported in the literature in individuals affected with DEPDC5-related conditions. ClinVar contains an entry for this variant (Variation ID: 803679). Experimental studies and prediction algorithms are not available or were not evaluated, and the functional significance of this variant is currently unknown. In summary, the available evidence is currently insufficient to determine the role of this variant in disease. Therefore, it has been classified as a Variant of Uncertain Significance.

Mendelics
Classification: Uncertain significance for Epilepsy, familial focal, with variable foci 1. Last evaluated: 2019-05-28. Review status: criteria provided, single submitter. Criteria: Mendelics Assertion Criteria 2017. Collection method: clinical testing. Allele origin: unknown.

NM_001242896.3(DEPDC5):c.779A>G (p.Gln260Arg)

Gene: DEPDC5 (DEP domain containing 5, GATOR1 subcomplex subunit; plus strand). Cytogenetic location: 22q12.2.
Variant type: single nucleotide variant.
Coding change: c.779A>G on transcript NM_001242896.3 (MANE Select); coding-DNA position 779, A replaced by G.
Protein change: p.Gln260Arg; replaces glutamine 260 with arginine.
Molecular consequence: missense variant. On other transcripts: non-coding transcript variant (5).
Genome position (GRCh38, 1-based): chr22:31,797,611, A>G. VCF-style: chr22-31797611-A-G. GRCh37 (hg19) VCF-style: chr22-32193597-A-G.
Other names: c.779A>G, p.Gln260Arg (NM_001007188.4, NM_001136029.4, NM_001242897.2 and 7 more transcripts); c.695A>G, p.Gln232Arg (NM_001369901.1, NM_001369902.1); short protein forms Q232R, Q260R.
Identifiers: ClinVar variation 803679 (VCV000803679.2), dbSNP rs1601925119, ClinGen allele CA411290472.